The following is an entry in ClinVar:

ClinVar aggregate classification (germline): Pathogenic/Likely pathogenic. Review status: criteria provided, multiple submitters, no conflicts (2 of 4 stars). 2 submissions from 2 submitters: Pathogenic (1); Likely pathogenic (1). Last evaluated 2026-07-03.

Conditions:
RAI1-related disorder. Also called: RAI1-related condition.

Submissions (2):

PreventionGenetics, part of Exact Sciences
Classification: Likely pathogenic for RAI1-related condition. Last evaluated: 2026-07-03. Review status: criteria provided, single submitter. Criteria: ACMG Guidelines, 2015. Collection method: clinical testing. Allele origin: germline.
Comment: The RAI1 c.4432C>T variant is predicted to result in premature protein termination (p.Arg1478*). This variant has not been reported in individuals with RAI1-associated disease. This variant has not been reported in a large population database, indicating this variant is rare. Nonsense variants in RAI1 are expected to be pathogenic. This variant is interpreted as likely pathogenic.

GeneDx
Classification: Pathogenic. Last evaluated: 2023-11-13. Review status: criteria provided, single submitter. Criteria: GeneDx Variant Classification Process June 2021. Collection method: clinical testing. Allele origin: germline. Affected: yes.
Comment: Nonsense variant predicted to result in protein truncation or nonsense mediated decay in a gene for which loss of function is a known mechanism of disease; Not observed at significant frequency in large population cohorts (gnomAD); Has not been previously published as pathogenic or benign to our knowledge

NM_030665.4(RAI1):c.4432C>T (p.Arg1478Ter)

Gene: RAI1 (retinoic acid induced 1; plus strand). Cytogenetic location: 17p11.2.
Variant type: single nucleotide variant.
Coding change: c.4432C>T on transcript NM_030665.4 (MANE Select); coding-DNA position 4432, C replaced by T.
Protein change: p.Arg1478Ter; replaces arginine 1478 with a stop codon.
Molecular consequence: nonsense.
Genome position (GRCh38, 1-based): chr17:17,797,380, C>T. VCF-style: chr17-17797380-C-T. GRCh37 (hg19) VCF-style: chr17-17700694-C-T.
Other names: short protein forms R1478*.
Identifiers: ClinVar variation 546563 (VCV000546563.4), dbSNP rs753540389, ClinGen allele CA398556582.